The following is an entry in ClinVar:

ClinVar aggregate classification (germline): Uncertain significance (1 of 4 stars; one submission).

Allele frequency attached by ClinVar (database versions not stated): gnomAD exomes below 0.00001; gnomAD 0.00001; TOPMed 0.00001.
gnomAD v4.1: 6 of 1,535,998 alleles (0.00039%); highest among the groups gnomAD compares: African/African-American, 0.0041%; no homozygotes.

Submission:

Labcorp Genetics (formerly Invitae), Labcorp
Classification: Uncertain significance. Last evaluated: 2024-02-23. Review status: criteria provided, single submitter. Criteria: Invitae Variant Classification Sherloc (09022015). Collection method: clinical testing. Allele origin: germline.
Comment: The FMN1 gene has multiple clinically relevant transcripts. This variant occurs in alternate transcript NM_001277314.1, and corresponds to NM_001103184.3:c.-85292C>T in the primary transcript. This sequence change replaces threonine, which is neutral and polar, with methionine, which is neutral and non-polar, at codon 580 of the FMN1 protein (p.Thr580Met). This variant is present in population databases (no rsID available, gnomAD 0.02%). This variant has not been reported in the literature in individuals affected with FMN1-related conditions. Experimental studies and prediction algorithms are not available or were not evaluated, and the functional significance of this variant is currently unknown. In summary, the available evidence is currently insufficient to determine the role of this variant in disease. Therefore, it has been classified as a Variant of Uncertain Significance.

NM_001277313.2(FMN1):c.1739C>T (p.Thr580Met)

Gene: FMN1 (formin 1; minus strand). Cytogenetic location: 15q13.3.
Variant type: single nucleotide variant.
Coding change: c.1739C>T on transcript NM_001277313.2 (MANE Select); coding-DNA position 1739, C replaced by T.
Protein change: p.Thr580Met; replaces threonine 580 with methionine.
Molecular consequence: missense variant.
Genome position (GRCh38, 1-based): chr15:33,153,176, G>A on the plus strand (C>T on the coding strand, the complement: FMN1 is on the minus strand). VCF-style: chr15-33153176-G-A. GRCh37 (hg19) VCF-style: chr15-33445377-G-A.
Other names: c.1739C>T, p.Thr580Met (NM_001277314.2); short protein forms T580M.
Identifiers: ClinVar variation 2957423 (VCV002957423.3), dbSNP rs1313604396, ClinGen allele CA391906912.